The following is an entry in ClinVar:

ClinVar aggregate classification (germline): Conflicting classifications of pathogenicity. Review status: criteria provided, conflicting classifications (1 of 4 stars). 4 submissions from 4 submitters: Uncertain significance (1); Likely benign (3). Last evaluated 2026-01-11.

Conditions:
Inborn genetic diseases. Identifiers: MedGen C0950123, MeSH D030342.
Developmental and epileptic encephalopathy, 12 (DEE12). Identifiers: MedGen C3150988, MONDO:0013389, OMIM 613722.

Allele frequency attached by ClinVar (database versions not stated): TOPMed 0.00005.
gnomAD v4.1: 22 of 1,613,448 alleles (0.0014%); highest among the groups gnomAD compares: Admixed American, 0.012%; no homozygotes.

Submissions (4):

Labcorp Genetics (formerly Invitae), Labcorp
Classification: Likely benign for Developmental and epileptic encephalopathy, 12. Last evaluated: 2026-01-11. Review status: criteria provided, single submitter. Criteria: Invitae Variant Classification Sherloc (09022015). Collection method: clinical testing. Allele origin: germline.

CeGaT Center for Human Genetics Tuebingen
Classification: Likely benign. Last evaluated: 2025-01-01. Review status: criteria provided, single submitter. Criteria: CeGaT Center For Human Genetics Tuebingen Variant Classification Criteria Version 2. Collection method: clinical testing. Allele origin: germline. Affected: yes. Observed: 1 variant allele.
Comment: PLCB1: BP4, BP7

Ambry Genetics
Classification: Likely benign for Inborn genetic diseases. Last evaluated: 2017-11-27. Review status: criteria provided, single submitter. Criteria: Ambry Variant Classification Scheme 2023. Collection method: clinical testing. Allele origin: germline.

Eurofins Ntd Llc (ga)
Classification: Uncertain significance. Last evaluated: 2016-07-09. Review status: criteria provided, single submitter. Criteria: EGL Classification Definitions 2015. Collection method: clinical testing. Allele origin: germline. Observed: 2 variant alleles, 2 heterozygotes.

NM_015192.4(PLCB1):c.3135C>T (p.Val1045=)

Gene: PLCB1 (phospholipase C beta 1; plus strand). Cytogenetic location: 20p12.3.
Variant type: single nucleotide variant.
Coding change: c.3135C>T on transcript NM_015192.4 (MANE Select); coding-DNA position 3135, C replaced by T.
Protein change: p.Val1045=; no amino-acid change (valine 1045 retained).
Molecular consequence: synonymous variant.
Genome position (GRCh38, 1-based): chr20:8,788,472, C>T. VCF-style: chr20-8788472-C-T. GRCh37 (hg19) VCF-style: chr20-8769119-C-T.
Other names: c.3135C>T, p.Val1045= (NM_182734.3).
Identifiers: ClinVar variation 196139 (VCV000196139.29), dbSNP rs577076166, ClinGen allele CA242975.